The following is an entry in ClinVar:

NM_001018115.3(FANCD2):c.586A>G (p.Ile196Val)

Genes: FANCD2 (FA complementation group D2; plus strand), LOC107303338 (3p25 FANCD2 Alu-mediated recombination region; plus strand). Cytogenetic location: 3p25.3.
Variant type: single nucleotide variant.
Coding change: c.586A>G on transcript NM_001018115.3 (MANE Select); coding-DNA position 586, A replaced by G.
Protein change: p.Ile196Val; replaces isoleucine 196 with valine.
Molecular consequence: missense variant.
Genome position (GRCh38, 1-based): chr3:10,039,736, A>G. VCF-style: chr3-10039736-A-G. GRCh37 (hg19) VCF-style: chr3-10081420-A-G.
Other names: c.586A>G, p.Ile196Val (NM_001319984.2, NM_001374253.1, NM_001374254.1 and 2 more transcripts); short protein forms I196V.
Identifiers: ClinVar variation 1319373 (VCV001319373.5), dbSNP rs779216164, ClinGen allele CA2249281.

ClinVar aggregate classification (germline): Uncertain significance. Review status: criteria provided, multiple submitters, no conflicts (2 of 4 stars). 2 submissions from 2 submitters: Uncertain significance (2). Last evaluated 2021-11-03.

Conditions:
Fanconi anemia (FA). Also called: Fanconi's anemia. Identifiers: Orphanet 84, MedGen C0015625, MeSH D005199, MONDO:0019391.

Allele frequency attached by ClinVar (database versions not stated): gnomAD exomes below 0.00001 and 0.00001; ExAC 0.00002.
gnomAD v4.1: 4 of 1,614,112 alleles (0.00025%); highest among the groups gnomAD compares: Non-Finnish European, 0.00034%; no homozygotes.

Submissions (2):

Institute for Clinical Genetics, University Hospital TU Dresden, University Hospital TU Dresden
Classification: Uncertain significance. Last evaluated: 2021-11-03. Review status: criteria provided, single submitter. Criteria: ACMG Guidelines, 2015. Collection method: clinical testing. Allele origin: germline.

Labcorp Genetics (formerly Invitae), Labcorp
Classification: Uncertain significance for Fanconi anemia. Last evaluated: 2021-08-17. Review status: criteria provided, single submitter. Criteria: Invitae Variant Classification Sherloc (09022015). Collection method: clinical testing. Allele origin: germline.
Comment: This sequence change replaces isoleucine with valine at codon 196 of the FANCD2 protein (p.Ile196Val). The isoleucine residue is weakly conserved and there is a small physicochemical difference between isoleucine and valine. This variant is present in population databases (rs779216164, ExAC 0.003%). This variant has not been reported in the literature in individuals affected with FANCD2-related conditions. Algorithms developed to predict the effect of missense changes on protein structure and function output the following: SIFT: "Tolerated"; PolyPhen-2: "Benign"; Align-GVGD: "Class C0". The valine amino acid residue is found in multiple mammalian species, which suggests that this missense change does not adversely affect protein function. Algorithms developed to predict the effect of sequence changes on RNA splicing suggest that this variant may create or strengthen a splice site. In summary, the available evidence is currently insufficient to determine the role of this variant in disease. Therefore, it has been classified as a Variant of Uncertain Significance.